The following is an entry in ClinVar:

ClinVar aggregate classification (germline): Pathogenic/Likely pathogenic. Review status: criteria provided, multiple submitters, no conflicts (2 of 4 stars). 2 submissions from 2 submitters: Pathogenic (1); Likely pathogenic (1). Last evaluated 2026-04-20.

Conditions:
Hypogonadotropic hypogonadism 11 with or without anosmia (HH11). Also called: HYPOGONADOTROPIC HYPOGONADISM 11 WITHOUT ANOSMIA; TACR3-Related GnRH Deficiency. Identifiers: Orphanet 478, MedGen C3553844, MONDO:0013913, OMIM 614840.

gnomAD v4.1: 16 of 1,613,752 alleles (0.00099%); highest among the groups gnomAD compares: Non-Finnish European, 0.0014%; no homozygotes.

Submissions (2):

Centro de Investigaciones Endocrinológicas “Dr. César Bergadá” (CEDIE), Unidad de Investigacion Traslacional (UIT), Hospital de Niños Dr. Ricardo Gutiérrez
Classification: Likely pathogenic for Hypogonadotropic hypogonadism 11 with or without anosmia. Last evaluated: 2026-04-20. Review status: criteria provided, single submitter. Criteria: Institutional Variant Interpretation Framework ClinVar CEDIE Version 1. Collection method: clinical testing. Allele origin: germline. Affected: yes. Observed: 1 variant allele.
Comment: The variant NM_001059.3:c.1029G>A, located in TACR3 exon 4, creates a premature stop codon (nonsense variant), NP_001050.1:p.(Trp343*). This variant has a very low frequency in the population database (GnomAD v4.1; PM2_Supp) and was reported in ClinVar: 1 report (RCV006539440.1) as pathogenic but without associated phenotype. Bioinformatics tools are inconsistent in predicting mRNA degradation due to the presence of a premature stop codon. Alternatively, if the mRNA is not degraded, a truncated protein would be generated, lacking the functional domains necessary to interact with the ligand and fulfill its role as a receptor, a critical region for protein function (PVS1_Str). This variant is prioritized along with another confirmed trans-pathogenic variant (PM3). The patient's clinical phenotype is highly specific and consistent with the phenotypic spectrum associated with pathogenic variants in the TACR3 (PP4) gene. In summary, the available evidence supports the classification of this variant as Probably pathogenic (PM2_supporting, PVS1_str,PM3, PP4) according to ACMG criteria and the recommendations of the ClinGen Sequence Variant Interpretation Working Group (SVI WG).

Labcorp Genetics (formerly Invitae), Labcorp
Classification: Pathogenic. Last evaluated: 2025-12-06. Review status: criteria provided, single submitter. Criteria: Invitae Variant Classification Sherloc (09022015). Collection method: clinical testing. Allele origin: germline.
Comment: This sequence change creates a premature translational stop signal (p.Trp343*) in the TACR3 gene. It is expected to result in an absent or disrupted protein product. Loss-of-function variants in TACR3 are known to be pathogenic (PMID: 20194706, 20332248, 22031817). This variant is present in population databases (rs372292240, gnomAD 0.0009%). This variant has not been reported in the literature in individuals affected with TACR3-related conditions. For these reasons, this variant has been classified as Pathogenic.

Literature cited by the submitters: PubMed 20194706 (cited by Labcorp Genetics (formerly Invitae), Labcorp); PubMed 20332248 (cited by Labcorp Genetics (formerly Invitae), Labcorp); PubMed 22031817 (cited by Labcorp Genetics (formerly Invitae), Labcorp).

NM_001059.3(TACR3):c.1029G>A (p.Trp343Ter)

Genes: TACR3 (tachykinin receptor 3; minus strand), TACR3-AS1 (TACR3 antisense RNA 1; plus strand). Cytogenetic location: 4q24.
Variant type: single nucleotide variant.
Coding change: c.1029G>A on transcript NM_001059.3 (MANE Select); coding-DNA position 1029, G replaced by A.
Protein change: p.Trp343Ter; replaces tryptophan 343 with a stop codon.
Molecular consequence: nonsense.
Genome position (GRCh38, 1-based): chr4:103,591,543, C>T on the plus strand (G>A on the coding strand, the complement: TACR3 is on the minus strand). VCF-style: chr4-103591543-C-T. GRCh37 (hg19) VCF-style: chr4-104512700-C-T.
Other names: NP_001050.1:p.(Trp343*); short protein forms W343*.
Identifiers: ClinVar variation 4755273 (VCV004755273.2).